The following is an entry in ClinVar:

NM_005029.4(PITX3):c.445C>A (p.Pro149Thr)

Genes: GBF1 (golgi brefeldin A resistant guanine nucleotide exchange factor 1; plus strand), PITX3 (paired like homeodomain 3; minus strand). Cytogenetic location: 10q24.32.
Variant type: single nucleotide variant.
Coding change: c.445C>A on transcript NM_005029.4 (MANE Select); coding-DNA position 445, C replaced by A.
Protein change: p.Pro149Thr; replaces proline 149 with threonine.
Molecular consequence: missense variant. On other transcripts: intron variant (2).
Genome position (GRCh38, 1-based): chr10:102,230,978, G>T on the plus strand (C>A on the coding strand, the complement: PITX3 is on the minus strand). VCF-style: chr10-102230978-G-T. GRCh37 (hg19) VCF-style: chr10-103990735-G-T.
Other names: c.-149+62G>T (NM_001391924.1); c.-11+62G>T (NM_001391923.1); short protein forms P149T.
Identifiers: ClinVar variation 2040191 (VCV002040191.3), dbSNP rs556650286, ClinGen allele CA5662726.

ClinVar aggregate classification (germline): Uncertain significance (1 of 4 stars; one submission).

Allele frequency attached by ClinVar (database versions not stated): gnomAD 0.00009; 1000 Genomes Project 30x 0.00031; 1000 Genomes Project 0.00040; TOPMed 0.00005; ExAC 0.00015.
gnomAD v4.1: 153 of 1,606,976 alleles (0.0095%); highest among the groups gnomAD compares: South Asian, 0.058%; 1 homozygote.

Submission:

Labcorp Genetics (formerly Invitae), Labcorp
Classification: Uncertain significance. Last evaluated: 2024-12-15. Review status: criteria provided, single submitter. Criteria: Invitae Variant Classification Sherloc (09022015). Collection method: clinical testing. Allele origin: germline.
Comment: This sequence change replaces proline, which is neutral and non-polar, with threonine, which is neutral and polar, at codon 149 of the PITX3 protein (p.Pro149Thr). This variant is present in population databases (rs556650286, gnomAD 0.05%), including at least one homozygous and/or hemizygous individual. This variant has not been reported in the literature in individuals affected with PITX3-related conditions. ClinVar contains an entry for this variant (Variation ID: 2040191). An algorithm developed to predict the effect of missense changes on protein structure and function (PolyPhen-2) suggests that this variant is likely to be tolerated. In summary, the available evidence is currently insufficient to determine the role of this variant in disease. Therefore, it has been classified as a Variant of Uncertain Significance.